The following is an entry in ClinVar:

ClinVar aggregate classification (germline): Uncertain significance. Review status: criteria provided, multiple submitters, no conflicts (2 of 4 stars). 3 submissions from 3 submitters: Uncertain significance (3). Last evaluated 2026-07-06.

Conditions:
Arrhythmogenic right ventricular dysplasia 5. Also called: Arrhythmogenic Right Ventricular Dysplasia/Cardiomyopathy 5; ARRHYTHMOGENIC RIGHT VENTRICULAR DYSPLASIA, FAMILIAL, 5. Identifiers: MedGen C1858379, MONDO:0011459, OMIM 604400.
Cardiomyopathy (CMYO). Also called: Cardiomyopathies. Identifiers: Orphanet 167848, MedGen C0878544, MONDO:0004994, HP:0001638. Inheritance: Various modes of inheritance.
Cardiovascular phenotype. Identifiers: MedGen CN230736.

Allele frequency attached by ClinVar (database versions not stated): ExAC 0.00002; TOPMed below 0.00001.

Submissions (3):

Ambry Genetics
Classification: Uncertain significance for Cardiovascular phenotype. Last evaluated: 2026-07-06. Review status: criteria provided, single submitter. Criteria: Ambry Variant Classification Scheme 2023. Collection method: clinical testing. Allele origin: germline.
Comment: The p.A94V variant (also known as c.281C>T), located in coding exon 3 of the TMEM43 gene, results from a C to T substitution at nucleotide position 281. The alanine at codon 94 is replaced by valine, an amino acid with similar properties. This amino acid position is conserved. In addition, this alteration is predicted to be tolerated by in silico analysis. Based on the available evidence, the clinical significance of this variant remains unclear.

Color Diagnostics, LLC DBA Color Health
Classification: Uncertain significance for Cardiomyopathy. Last evaluated: 2024-03-06. Review status: criteria provided, single submitter. Criteria: ACMG Guidelines, 2015. Collection method: clinical testing. Allele origin: germline.
Comment: This missense variant replaces alanine with valine at codon 94 of the TMEM43 protein. Computational prediction suggests that this variant may not impact protein structure and function (internally defined REVEL score threshold <= 0.5, PMID: 27666373). To our knowledge, functional studies have not been reported for this variant. This variant has not been reported in individuals affected with cardiovascular disorders in the literature. This variant has been identified in 1/249174 chromosomes in the general population by the Genome Aggregation Database (gnomAD). The available evidence is insufficient to determine the role of this variant in disease conclusively. Therefore, this variant is classified as a Variant of Uncertain Significance.

Labcorp Genetics (formerly Invitae), Labcorp
Classification: Uncertain significance for Arrhythmogenic right ventricular dysplasia 5. Last evaluated: 2024-02-22. Review status: criteria provided, single submitter. Criteria: Invitae Variant Classification Sherloc (09022015). Collection method: clinical testing. Allele origin: germline.
Comment: This sequence change replaces alanine, which is neutral and non-polar, with valine, which is neutral and non-polar, at codon 94 of the TMEM43 protein (p.Ala94Val). This variant is not present in population databases (gnomAD no frequency). This variant has not been reported in the literature in individuals affected with TMEM43-related conditions. Advanced modeling of protein sequence and biophysical properties (such as structural, functional, and spatial information, amino acid conservation, physicochemical variation, residue mobility, and thermodynamic stability) performed at Invitae indicates that this missense variant is not expected to disrupt TMEM43 protein function with a negative predictive value of 80%. In summary, the available evidence is currently insufficient to determine the role of this variant in disease. Therefore, it has been classified as a Variant of Uncertain Significance.

NM_024334.3(TMEM43):c.281C>T (p.Ala94Val)

Gene: TMEM43 (transmembrane protein 43; plus strand). Cytogenetic location: 3p25.1.
Variant type: single nucleotide variant.
Coding change: c.281C>T on transcript NM_024334.3 (MANE Select); coding-DNA position 281, C replaced by T.
Protein change: p.Ala94Val; replaces alanine 94 with valine.
Molecular consequence: missense variant.
Genome position (GRCh38, 1-based): chr3:14,130,940, C>T. VCF-style: chr3-14130940-C-T. GRCh37 (hg19) VCF-style: chr3-14172440-C-T.
Other names: c.281C>T, p.Ala94Val (NM_001407274.1, NM_001407275.1, NM_001407276.1 and 2 more transcripts); c.266C>T, p.Ala89Val (NM_001407278.1); c.131C>T, p.Ala44Val (NM_001407280.1); short protein forms A44V, A89V, A94V.
Identifiers: ClinVar variation 2713621 (VCV002713621.5), dbSNP rs751394053, ClinGen allele CA052503.